The following is an entry in ClinVar:

NM_030948.6(PHACTR1):c.164T>A (p.Ile55Lys)

Gene: PHACTR1 (phosphatase and actin regulator 1; plus strand). Cytogenetic location: 6p24.1.
Variant type: single nucleotide variant.
Coding change: c.164T>A on transcript NM_030948.6 (MANE Select); coding-DNA position 164, T replaced by A.
Protein change: p.Ile55Lys; replaces isoleucine 55 with lysine.
Molecular consequence: missense variant.
Genome position (GRCh38, 1-based): chr6:12,749,704, T>A. VCF-style: chr6-12749704-T-A. GRCh37 (hg19) VCF-style: chr6-12749936-T-A.
Other names: c.164T>A, p.Ile55Lys (NM_001322310.2, NM_001374581.2, NM_001374582.1 and 4 more transcripts); short protein forms I55K.
Identifiers: ClinVar variation 4854104 (VCV004854104.1).

ClinVar aggregate classification (germline): Uncertain significance (1 of 4 stars; one submission).

Conditions:
Developmental and epileptic encephalopathy, 70. Also called: EPILEPTIC ENCEPHALOPATHY, EARLY INFANTILE, 70. Identifiers: MedGen C4749023, MONDO:0032663, OMIM 618298.

Submission:

3billion
Classification: Uncertain significance for Developmental and epileptic encephalopathy, 70. Last evaluated: 2025-08-21. Review status: criteria provided, single submitter. Criteria: ACMG Guidelines, 2015. Collection method: clinical testing. Allele origin: germline. Affected: yes.
Comment: The variant is not observed in the gnomAD v4.1.0 dataset. Predicted Consequence/Location: Missense variant. Missense changes are a common disease-causing mechanism. Different missense changes at the same codon have been reported as of uncertain significance (ClinVar ID: VCV001342493, VCV002305708). Therefore, this variant is classified as VUS according to the recommendation of ACMG/AMP guideline.